The following is an entry in ClinVar:

NM_000179.3(MSH6):c.2409C>G (p.Asp803Glu)

Gene: MSH6 (mutS homolog 6; plus strand). Cytogenetic location: 2p16.3.
Variant type: single nucleotide variant.
Coding change: c.2409C>G on transcript NM_000179.3 (MANE Select); coding-DNA position 2409, C replaced by G.
Protein change: p.Asp803Glu; replaces aspartic acid 803 with glutamic acid.
Molecular consequence: missense variant.
Genome position (GRCh38, 1-based): chr2:47,800,392, C>G. VCF-style: chr2-47800392-C-G. GRCh37 (hg19) VCF-style: chr2-48027531-C-G.
Other names: c.2019C>G, p.Asp673Glu (NM_001281492.2); c.1503C>G, p.Asp501Glu (NM_001281493.2, NM_001281494.2); short protein forms D803E, D673E, D501E.
Identifiers: ClinVar variation 455197 (VCV000455197.19), dbSNP rs1434270332, ClinGen allele CA346753965.

ClinVar aggregate classification (germline): Conflicting classifications of pathogenicity. Review status: criteria provided, conflicting classifications (1 of 4 stars). 6 submissions from 6 submitters: Uncertain significance (5); Likely benign (1). Last evaluated 2025-12-23.

Conditions:
Endometrial carcinoma. Also called: Endometrial carcinoma, somatic. Identifiers: MedGen C0476089, MONDO:0002447, OMIM 608089, HP:0012114.
Lynch syndrome 5 (LYNCH5). Also called: Hereditary non-polyposis colorectal cancer, type 5; Colorectal cancer, hereditary nonpolyposis, type 5. Identifiers: Orphanet 144, MedGen C1833477, MONDO:0013710, OMIM 614350. Disease mechanism: loss of function.
Mismatch repair cancer syndrome 3. Identifiers: MedGen C5436807, MONDO:0030841, OMIM 619097.
Hereditary nonpolyposis colorectal neoplasms. Identifiers: MedGen C0009405, MeSH D003123.
Hereditary cancer-predisposing syndrome. Also called: Hereditary Cancer Syndrome; Hereditary neoplastic syndrome; Neoplastic Syndromes, Hereditary; Tumor predisposition. Identifiers: Orphanet 140162, MedGen C0027672, MeSH D009386, MONDO:0015356.
Lynch syndrome. Identifiers: Orphanet 144, MedGen C4552100, MONDO:0005835. Disease mechanism: loss of function.

Allele frequency attached by ClinVar (database versions not stated): gnomAD exomes below 0.00001; gnomAD 0.00001.

Submissions (6):

Labcorp Genetics (formerly Invitae), Labcorp
Classification: Likely benign for Hereditary nonpolyposis colorectal neoplasms. Last evaluated: 2025-12-23. Review status: criteria provided, single submitter. Criteria: Invitae Variant Classification Sherloc (09022015). Collection method: clinical testing. Allele origin: germline.

Ambry Genetics
Classification: Uncertain significance for Hereditary cancer-predisposing syndrome. Last evaluated: 2025-01-13. Review status: criteria provided, single submitter. Criteria: Ambry Variant Classification Scheme 2023. Collection method: clinical testing. Allele origin: germline.
Comment: The p.D803E variant (also known as c.2409C>G), located in coding exon 4 of the MSH6 gene, results from a C to G substitution at nucleotide position 2409. The aspartic acid at codon 803 is replaced by glutamic acid, an amino acid with highly similar properties. This amino acid position is not well conserved in available vertebrate species. In addition, this alteration is predicted to be tolerated by in silico analysis. Based on the available evidence, the clinical significance of this variant remains unclear.

All of Us Research Program, National Institutes of Health
Classification: Uncertain significance for Lynch syndrome. Last evaluated: 2024-03-24. Review status: criteria provided, single submitter. Criteria: ACMG Guidelines, 2015. Collection method: clinical testing. Allele origin: germline. Inheritance: Autosomal dominant inheritance. Observed: 1 variant allele, 1 heterozygote.
Comment: This missense variant replaces aspartic acid with glutamic acid at codon 803 of the MSH6 protein. Computational prediction suggests that this variant may not impact protein structure and function (internally defined REVEL score threshold <= 0.5, PMID: 27666373). To our knowledge, functional studies have not been reported for this variant. This variant has not been reported in individuals affected with MSH6-related disorders in the literature. This variant has been identified in 1/31396 chromosomes in the general population by the Genome Aggregation Database (gnomAD). The available evidence is insufficient to determine the role of this variant in disease conclusively. Therefore, this variant is classified as a Variant of Uncertain Significance.

This study involves interpretation of variants in research participants for the purpose of population health screening. Participant phenotype was not available at the time of variant classification. Additional details can be found in publication PMID: 35346344, PMCID: PMC8962531

Color Diagnostics, LLC DBA Color Health
Classification: Uncertain significance for Hereditary cancer-predisposing syndrome. Last evaluated: 2024-02-14. Review status: criteria provided, single submitter. Criteria: ACMG Guidelines, 2015. Collection method: clinical testing. Allele origin: germline.
Comment: This missense variant replaces aspartic acid with glutamic acid at codon 803 of the MSH6 protein. Computational prediction suggests that this variant may not impact protein structure and function. To our knowledge, functional studies have not been reported for this variant. This variant has not been reported in individuals affected with MSH6-related disorders in the literature. This variant has been identified in 1/31396 chromosomes in the general population by the Genome Aggregation Database (gnomAD). The available evidence is insufficient to determine the role of this variant in disease conclusively. Therefore, this variant is classified as a Variant of Uncertain Significance.

GeneDx
Classification: Uncertain significance. Last evaluated: 2024-01-04. Review status: criteria provided, single submitter. Criteria: GeneDx Variant Classification Process June 2021. Collection method: clinical testing. Allele origin: germline. Affected: yes.
Comment: Not observed at significant frequency in large population cohorts (gnomAD); In silico analysis supports that this missense variant does not alter protein structure/function; Has not been previously published as pathogenic or benign to our knowledge; This variant is associated with the following publications: (PMID: 17531815, 21120944)

Department of Pathology and Laboratory Medicine, Sinai Health System
Classification: Uncertain significance for Endometrial carcinoma; Lynch syndrome 5; Mismatch repair cancer syndrome 3. Last evaluated: 2023-12-08. Review status: criteria provided, single submitter. Criteria: ACMG Guidelines, 2015. Collection method: clinical testing. Allele origin: germline. Affected: no.